The following is an entry in ClinVar:

NM_000038.6(APC):c.5144A>G (p.Asp1715Gly)

Gene: APC (APC regulator of Wnt signaling pathway; plus strand). Cytogenetic location: 5q22.2.
Variant type: single nucleotide variant.
Coding change: c.5144A>G on transcript NM_000038.6 (MANE Select); coding-DNA position 5144, A replaced by G.
Protein change: p.Asp1715Gly; replaces aspartic acid 1715 with glycine.
Molecular consequence: missense variant.
Genome position (GRCh38, 1-based): chr5:112,840,738, A>G. VCF-style: chr5-112840738-A-G. GRCh37 (hg19) VCF-style: chr5-112176435-A-G.
Other names: c.5144A>G (NM_000038.5); c.5144A>G, p.Asp1715Gly (NM_001127510.3, NM_001354895.2); c.5090A>G, p.Asp1697Gly (NM_001127511.3); c.5198A>G, p.Asp1733Gly (NM_001354896.2); c.5174A>G, p.Asp1725Gly (NM_001354897.2); c.5069A>G, p.Asp1690Gly (NM_001354898.2); c.5060A>G, p.Asp1687Gly (NM_001354899.2); c.5021A>G, p.Asp1674Gly (NM_001354900.2); and 6 more; short protein forms D1432G, D1614G, D1656G, D1715G, D1624G, D1687G, D1690G, D1733G.
Identifiers: ClinVar variation 1376806 (VCV001376806.7), dbSNP rs2149933063, ClinGen allele CA16032572.

ClinVar aggregate classification (germline): Uncertain significance. Review status: criteria provided, multiple submitters, no conflicts (2 of 4 stars). 2 submissions from 2 submitters: Uncertain significance (2). Last evaluated 2023-09-25.

Conditions:
Hereditary cancer-predisposing syndrome. Also called: Neoplastic Syndromes, Hereditary; Hereditary Cancer Syndrome; Tumor predisposition; Hereditary neoplastic syndrome. Identifiers: Orphanet 140162, MedGen C0027672, MeSH D009386, MONDO:0015356.
Familial adenomatous polyposis 1 (FAP1). Also called: FAMILIAL ADENOMATOUS POLYPOSIS 1, ATTENUATED; POLYPOSIS, ADENOMATOUS INTESTINAL. Identifiers: MedGen C2713442, MONDO:0021056, OMIM 175100. Disease mechanism: loss of function.

Submissions (2):

Ambry Genetics
Classification: Uncertain significance for Hereditary cancer-predisposing syndrome. Last evaluated: 2023-09-25. Review status: criteria provided, single submitter. Criteria: Ambry Variant Classification Scheme 2023. Collection method: clinical testing. Allele origin: germline.
Comment: The p.D1715G variant (also known as c.5144A>G), located in coding exon 15 of the APC gene, results from an A to G substitution at nucleotide position 5144. The aspartic acid at codon 1715 is replaced by glycine, an amino acid with similar properties. This amino acid position is conserved. In addition, in silico predictors for this gene do not accurately predict pathogenicity. Since supporting evidence is limited at this time, the clinical significance of this alteration remains unclear.

Labcorp Genetics (formerly Invitae), Labcorp
Classification: Uncertain significance for Familial adenomatous polyposis 1. Last evaluated: 2023-06-15. Review status: criteria provided, single submitter. Criteria: Invitae Variant Classification Sherloc (09022015). Collection method: clinical testing. Allele origin: germline.
Comment: This sequence change replaces aspartic acid, which is acidic and polar, with glycine, which is neutral and non-polar, at codon 1715 of the APC protein (p.Asp1715Gly). This variant is not present in population databases (gnomAD no frequency). This variant has not been reported in the literature in individuals affected with APC-related conditions. ClinVar contains an entry for this variant (Variation ID: 1376806). Advanced modeling of protein sequence and biophysical properties (such as structural, functional, and spatial information, amino acid conservation, physicochemical variation, residue mobility, and thermodynamic stability) performed at Invitae indicates that this missense variant is not expected to disrupt APC protein function. In summary, the available evidence is currently insufficient to determine the role of this variant in disease. Therefore, it has been classified as a Variant of Uncertain Significance.